The following is an entry in ClinVar:

NM_015459.5(ATL3):c.1582dup (p.Asp528fs)

Genes: ATL3 (atlastin GTPase 3; minus strand), LNCROPM (lncRNA regulator of PLAAT3 mediated phospholipid metabolism; plus strand). Cytogenetic location: 11q13.1.
Variant type: Duplication.
Coding change: c.1582dup on transcript NM_015459.5 (MANE Select); coding-DNA position 1582, one base duplicated (G; older notation c.1582dupG).
Protein change: p.Asp528fs; shifts the reading frame from aspartic acid 528.
Molecular consequence: frameshift variant.
Genome position (GRCh38, 1-based): chr11:63,629,363, C duplicated on the plus strand (G on the coding strand, the reverse complement: ATL3 is on the minus strand); the first of 3 consecutive C bases (chr11:63,629,363-63,629,365); duplicating any one gives the same sequence. VCF-style (leftmost placement, unchanged base first): chr11-63629362-T-TC. GRCh37 (hg19) VCF-style: chr11-63396834-T-TC.
Other names: c.1528dup, p.Asp510fs (NM_001290048.2); short protein forms D510fs, D528fs.
Identifiers: ClinVar variation 2577115 (VCV002577115.1), dbSNP rs774106436, ClinGen allele CA6063471.

ClinVar aggregate classification (germline): Uncertain significance (1 of 4 stars; one submission).

Submission:

Women's Health and Genetics/Laboratory Corporation of America, LabCorp
Classification: Uncertain significance. Last evaluated: 2023-07-28. Review status: criteria provided, single submitter. Criteria: LabCorp Variant Classification Summary - May 2015. Collection method: clinical testing. Allele origin: germline.
Comment: Variant summary: ATL3 c.1582dupG (p.Asp528GlyfsX11) results in a premature termination codon, predicted to cause a truncation of the encoded protein or absence of the protein due to nonsense mediated decay, however the molecular mechanism of disease attributed to ATL3 is gain-of-function. The variant allele was found at a frequency of 2e-05 in 249572 control chromosomes. The available data on variant occurrences in the general population are insufficient to allow any conclusion about variant significance. To our knowledge, no occurrence of c.1582dupG in individuals affected with Neuropathy, Hereditary Sensory, Type 1F and no experimental evidence demonstrating its impact on protein function have been reported. No submitters have cited clinical-significance assessments for this variant to ClinVar after 2014. Based on the evidence outlined above, the variant was classified as uncertain significance.